The following is an entry in ClinVar:

NM_030665.4(RAI1):c.3133G>A (p.Gly1045Ser)

Gene: RAI1 (retinoic acid induced 1; plus strand). Cytogenetic location: 17p11.2.
Variant type: single nucleotide variant.
Coding change: c.3133G>A on transcript NM_030665.4 (MANE Select); coding-DNA position 3133, G replaced by A.
Protein change: p.Gly1045Ser; replaces glycine 1045 with serine.
Molecular consequence: missense variant.
Genome position (GRCh38, 1-based): chr17:17,796,081, G>A. VCF-style: chr17-17796081-G-A. GRCh37 (hg19) VCF-style: chr17-17699395-G-A.
Other names: short protein forms G1045S.
Identifiers: ClinVar variation 1301289 (VCV001301289.7), dbSNP rs2143002534, ClinGen allele CA398552973.

ClinVar aggregate classification (germline): Uncertain significance. Review status: criteria provided, multiple submitters, no conflicts (2 of 4 stars). 3 submissions from 3 submitters: Uncertain significance (3). Last evaluated 2025-09-28.

Conditions:
Inborn genetic diseases. Identifiers: MedGen C0950123, MeSH D030342.

Allele frequency attached by ClinVar (database versions not stated): gnomAD exomes below 0.00001.
gnomAD v4.1: 1 of 1,580,940 alleles (0.000063%); highest among the groups gnomAD compares: Non-Finnish European, 0.000086%; no homozygotes.

Submissions (3):

Ambry Genetics
Classification: Uncertain significance for Inborn genetic diseases. Last evaluated: 2025-09-28. Review status: criteria provided, single submitter. Criteria: Ambry Variant Classification Scheme 2023. Collection method: clinical testing. Allele origin: germline.

Labcorp Genetics (formerly Invitae), Labcorp
Classification: Uncertain significance. Last evaluated: 2022-10-11. Review status: criteria provided, single submitter. Criteria: Invitae Variant Classification Sherloc (09022015). Collection method: clinical testing. Allele origin: germline.
Comment: In summary, the available evidence is currently insufficient to determine the role of this variant in disease. Therefore, it has been classified as a Variant of Uncertain Significance. Advanced modeling of protein sequence and biophysical properties (such as structural, functional, and spatial information, amino acid conservation, physicochemical variation, residue mobility, and thermodynamic stability) performed at Invitae indicates that this missense variant is not expected to disrupt RAI1 protein function. This sequence change replaces glycine, which is neutral and non-polar, with serine, which is neutral and polar, at codon 1045 of the RAI1 protein (p.Gly1045Ser). ClinVar contains an entry for this variant (Variation ID: 1301289). This variant has not been reported in the literature in individuals affected with RAI1-related conditions. This variant is not present in population databases (gnomAD no frequency).

GeneDx
Classification: Uncertain significance. Last evaluated: 2021-09-29. Review status: criteria provided, single submitter. Criteria: GeneDx Variant Classification Process June 2021. Collection method: clinical testing. Allele origin: germline. Affected: yes.
Comment: Not observed in large population cohorts (Lek et al., 2016); In silico analysis supports that this missense variant does not alter protein structure/function; Has not been previously published as pathogenic or benign to our knowledge